The following is an entry in ClinVar:

ClinVar aggregate classification (germline): Uncertain significance (1 of 4 stars; one submission).

Conditions:
Arrhythmogenic right ventricular dysplasia 9 (ARVD9). Also called: Arrhythmogenic Right Ventricular Dysplasia/Cardiomyopathy 9; ARRHYTHMOGENIC RIGHT VENTRICULAR DYSPLASIA, FAMILIAL, 9. Identifiers: MedGen C1836906, MONDO:0012180, OMIM 609040.

Submission:

Labcorp Genetics (formerly Invitae), Labcorp
Classification: Uncertain significance for Arrhythmogenic right ventricular dysplasia 9. Last evaluated: 2022-01-21. Review status: criteria provided, single submitter. Criteria: Invitae Variant Classification Sherloc (09022015). Collection method: clinical testing. Allele origin: germline.
Comment: This sequence change replaces leucine, which is neutral and non-polar, with valine, which is neutral and non-polar, at codon 145 of the PKP2 protein (p.Leu145Val). This variant is not present in population databases (gnomAD no frequency). This variant has not been reported in the literature in individuals affected with PKP2-related conditions. Algorithms developed to predict the effect of missense changes on protein structure and function are either unavailable or do not agree on the potential impact of this missense change (SIFT: "Tolerated"; PolyPhen-2: "Possibly Damaging"; Align-GVGD: "Class C0"). Algorithms developed to predict the effect of sequence changes on RNA splicing suggest that this variant may create or strengthen a splice site. In summary, the available evidence is currently insufficient to determine the role of this variant in disease. Therefore, it has been classified as a Variant of Uncertain Significance.

NM_001005242.3(PKP2):c.433C>G (p.Leu145Val)

Gene: PKP2 (plakophilin 2; minus strand). Cytogenetic location: 12p11.21.
Variant type: single nucleotide variant.
Coding change: c.433C>G on transcript NM_001005242.3 (MANE Select); coding-DNA position 433, C replaced by G.
Protein change: p.Leu145Val; replaces leucine 145 with valine.
Molecular consequence: missense variant.
Genome position (GRCh38, 1-based): chr12:32,878,447, G>C on the plus strand (C>G on the coding strand, the complement: PKP2 is on the minus strand). VCF-style: chr12-32878447-G-C. GRCh37 (hg19) VCF-style: chr12-33031381-G-C.
Other names: c.433C>G, p.Leu145Val (NM_001407155.1, NM_001407156.1, NM_001407157.1 and 2 more transcripts); c.106C>G, p.Leu36Val (NM_001407158.1, NM_001407159.1, NM_001407160.1 and 1 more transcripts); short protein forms L145V, L36V.
Identifiers: ClinVar variation 2088479 (VCV002088479.4), dbSNP rs2541342424, ClinGen allele CA384365289.
Genomic context (GRCh38, chr12:32,878,447, plus strand): 5'-CGCTGTGCGTGTAGTGAGCCCTCTCCGGGCTGCTGTCAGGAGAAATCTCCAGTCTCCTCA[G>C]AGGATGCCTCAAGGACCTTTCTTCCACGGACTTCTGGGAGCTGTACTGTGCTGTTCCTCT-3'
Protein context (NP_001005242.2, residues 135-155): SVEERSLRHP[Leu145Val]RRLEISPDSS